The following is an entry in ClinVar:

ClinVar aggregate classification (germline): Likely benign (1 of 4 stars; one submission).

Conditions:
DST-related disorder. Also called: DST-related disorders; DST-related condition.

gnomAD v4.1: 2 of 1,613,836 alleles (0.00012%); highest among the groups gnomAD compares: African/African-American, 0.0013%; no homozygotes.

Submission:

PreventionGenetics, part of Exact Sciences
Classification: Likely benign for DST-related condition. Last evaluated: 2025-12-22. Review status: criteria provided, single submitter. Criteria: ACMG Guidelines, 2015. Collection method: clinical testing. Allele origin: germline.
Comment: This variant is classified as likely benign based on ACMG/AMP sequence variant interpretation guidelines (Richards et al. 2015 PMID: 25741868, with internal and published modifications).

NM_001374736.1(DST):c.3105A>G (p.Leu1035=)

Gene: DST (dystonin; minus strand). Cytogenetic location: 6p12.1.
Variant type: single nucleotide variant.
Coding change: c.3105A>G on transcript NM_001374736.1 (MANE Select); coding-DNA position 3105, A replaced by G.
Protein change: p.Leu1035=; no amino-acid change (leucine 1035 retained).
Molecular consequence: synonymous variant.
Genome position (GRCh38, 1-based): chr6:56,635,670, T>C on the plus strand (A>G on the coding strand, the complement: DST is on the minus strand). VCF-style: chr6-56635670-T-C. GRCh37 (hg19) VCF-style: chr6-56500468-T-C.
Other names: c.3006A>G, p.Leu1002= (NM_001144769.5); c.2592A>G, p.Leu864= (NM_001144770.2); c.3105A>G, p.Leu1035= (NM_001374722.1); c.2472A>G, p.Leu824= (NM_001374729.1, NM_001374730.1, NM_001386100.1 and 1 more transcripts); c.3132A>G, p.Leu1044= (NM_001374734.1); c.1494A>G, p.Leu498= (NM_001723.7, NM_015548.5).
Identifiers: ClinVar variation 4980060 (VCV004980060.1).